The following is an entry in ClinVar:

NM_005562.3(LAMC2):c.2965A>T (p.Lys989Ter)

Gene: LAMC2 (laminin subunit gamma 2; plus strand). Cytogenetic location: 1q25.3.
Variant type: single nucleotide variant.
Coding change: c.2965A>T on transcript NM_005562.3 (MANE Select); coding-DNA position 2965, A replaced by T.
Protein change: p.Lys989Ter; replaces lysine 989 with a stop codon.
Molecular consequence: nonsense.
Genome position (GRCh38, 1-based): chr1:183,239,459, A>T. VCF-style: chr1-183239459-A-T. GRCh37 (hg19) VCF-style: chr1-183208594-A-T.
Other names: c.2965A>T, p.Lys989Ter (NM_018891.3); short protein forms K989*.
Identifiers: ClinVar variation 1726396 (VCV001726396.2), dbSNP rs2526127700, ClinGen allele CA343659402.

ClinVar aggregate classification (germline): Likely pathogenic (1 of 4 stars; one submission).

Conditions:
Junctional epidermolysis bullosa gravis of Herlitz. Also called: Herlitz-type junctional epidermolysis bullosa; EPIDERMOLYSIS BULLOSA, JUNCTIONAL 1B, SEVERE; EPIDERMOLYSIS BULLOSA JUNCTIONALIS, HERLITZ TYPE; EPIDERMOLYSIS BULLOSA, JUNCTIONAL, HERLITZ-PEARSON TYPE; JEB-HERLITZ TYPE; Epidermolysis Bullosa Letalis. Identifiers: Orphanet 79404, MedGen C0079683, MONDO:0009182, OMIM 226700.

Submission:

Myriad Genetics, Inc.
Classification: Likely pathogenic for Junctional epidermolysis bullosa gravis of Herlitz. Last evaluated: 2021-12-17. Review status: criteria provided, single submitter. Criteria: Myriad Women's Health Autosomal Recessive and X-Linked Classification Criteria (2021). Collection method: clinical testing. Allele origin: unknown.
Comment: NM_005562.2(LAMC2):c.2965A>T(K989*) is expected to be pathogenic in the context of junctional epidermolysis bullosa, LAMC2-related. This variant is predicted to lead to an abnormal or absent protein product due to the creation of a premature termination codon in LAMC2, a gene where loss-of-function variants are known to be pathogenic. Please note: this variant was assessed in the context of healthy population screening.